The following is an entry in ClinVar:

ClinVar aggregate classification (germline): Likely pathogenic. Review status: criteria provided, multiple submitters, no conflicts (2 of 4 stars). 2 submissions from 2 submitters: Likely pathogenic (2). Last evaluated 2022-06-01.

Conditions:
Developmental and epileptic encephalopathy, 9 (DEE9). Also called: EPILEPSY, FEMALE-RESTRICTED, WITH MENTAL RETARDATION; PCDH19-Related X-Linked Female-Limited Epilepsy with Mental Retardation; JUBERG-HELLMAN SYNDROME; Early infantile epileptic encephalopathy 9. Identifiers: Orphanet 101039, Orphanet 2076, MedGen C1848137, MONDO:0010246, OMIM 300088. Disease mechanism: loss of function.

Submissions (2):

Pediatric Department, Peking University First Hospital
Classification: Likely pathogenic for Developmental and epileptic encephalopathy, 9. Last evaluated: 2022-06-01. Review status: criteria provided, single submitter. Criteria: ACMG Guidelines, 2015. Collection method: research. Allele origin: de novo. Affected: yes.

GeneDx
Classification: Likely pathogenic. Last evaluated: 2022-05-15. Review status: criteria provided, single submitter. Criteria: GeneDx Variant Classification Process June 2021. Collection method: clinical testing. Allele origin: germline. Affected: yes.
Comment: Not observed at significant frequency in large population cohorts (gnomAD); Missense variants in this gene are often considered pathogenic (HGMD); In silico analysis supports that this missense variant has a deleterious effect on protein structure/function; This variant is associated with the following publications: (PMID: WENJUAN2020[ARTICLE])

NM_001184880.2(PCDH19):c.1078G>A (p.Glu360Lys)

Gene: PCDH19 (protocadherin 19; minus strand). Cytogenetic location: Xq22.1.
Variant type: single nucleotide variant.
Coding change: c.1078G>A on transcript NM_001184880.2 (MANE Select); coding-DNA position 1078, G replaced by A.
Protein change: p.Glu360Lys; replaces glutamic acid 360 with lysine.
Molecular consequence: missense variant.
Genome position (GRCh38, 1-based): chrX:100,407,520, C>T on the plus strand (G>A on the coding strand, the complement: PCDH19 is on the minus strand). VCF-style: chrX-100407520-C-T. GRCh37 (hg19) VCF-style: chrX-99662518-C-T.
Other names: c.1078G>A, p.Glu360Lys (NM_001105243.2, NM_020766.3); c.1078G>A (NM_001184880.1); short protein forms E360K.
Identifiers: ClinVar variation 1710292 (VCV001710292.3), dbSNP rs1928410872, ClinGen allele CA414004393.